The following is an entry in ClinVar:

NM_006662.3(SRCAP):c.260C>T (p.Pro87Leu)

Gene: SRCAP (Snf2 related CREBBP activator protein; plus strand). Cytogenetic location: 16p11.2.
Variant type: single nucleotide variant.
Coding change: c.260C>T on transcript NM_006662.3 (MANE Select); coding-DNA position 260, C replaced by T.
Protein change: p.Pro87Leu; replaces proline 87 with leucine.
Molecular consequence: missense variant.
Genome position (GRCh38, 1-based): chr16:30,704,269, C>T. VCF-style: chr16-30704269-C-T. GRCh37 (hg19) VCF-style: chr16-30715590-C-T.
Other names: short protein forms P87L.
Identifiers: ClinVar variation 3615880 (VCV003615880.1).
Genomic context (GRCh38, chr16:30,704,269, plus strand): 5'-CCACAGTGCCCCTGGAGGGGTTCAGCTTATCCCAGGCTGCTGACCTGGCTAACAAGGGCC[C>T]GAAGTGGGAGAAGAGCCATGCCGAAATTGCAGAACAGGCCAAGCATGTACGTATTAGAAA-3'
Protein context (NP_006653.2, residues 77-97): SQAADLANKG[Pro87Leu]KWEKSHAEIA

ClinVar aggregate classification (germline): Uncertain significance (1 of 4 stars; one submission).

gnomAD v4.1: 7 of 1,613,388 alleles (0.00043%); highest among the groups gnomAD compares: South Asian, 0.0011%; no homozygotes.

Submission:

Labcorp Genetics (formerly Invitae), Labcorp
Classification: Uncertain significance. Last evaluated: 2024-11-05. Review status: criteria provided, single submitter. Criteria: Invitae Variant Classification Sherloc (09022015). Collection method: clinical testing. Allele origin: germline.
Comment: This sequence change replaces proline, which is neutral and non-polar, with leucine, which is neutral and non-polar, at codon 87 of the SRCAP protein (p.Pro87Leu). This variant is present in population databases (rs753179022, gnomAD 0.0009%). This variant has not been reported in the literature in individuals affected with SRCAP-related conditions. Invitae Evidence Modeling of protein sequence and biophysical properties (such as structural, functional, and spatial information, amino acid conservation, physicochemical variation, residue mobility, and thermodynamic stability) indicates that this missense variant is not expected to disrupt SRCAP protein function with a negative predictive value of 80%. In summary, the available evidence is currently insufficient to determine the role of this variant in disease. Therefore, it has been classified as a Variant of Uncertain Significance.